The following is an entry in ClinVar:

ClinVar aggregate classification (germline): Uncertain significance (1 of 4 stars; one submission).

Conditions:
Deficiency of butyryl-CoA dehydrogenase (ACADSD). Also called: Short-Chain Acyl-CoA Dehydrogenase Deficiency; ACYL-CoA DEHYDROGENASE, SHORT-CHAIN, DEFICIENCY OF; SCADH DEFICIENCY; SCAD DEFICIENCY, MILD; SCAD Deficiency; ACADS DEFICIENCY. Identifiers: Orphanet 26792, MedGen C0342783, MONDO:0008722, OMIM 201470. Disease mechanism: May be benign.

Allele frequency attached by ClinVar (database versions not stated): gnomAD exomes 0.00002; TOPMed 0.00002; ExAC 0.00003.

Submission:

Labcorp Genetics (formerly Invitae), Labcorp
Classification: Uncertain significance for Deficiency of butyryl-CoA dehydrogenase. Last evaluated: 2022-11-01. Review status: criteria provided, single submitter. Criteria: Invitae Variant Classification Sherloc (09022015). Collection method: clinical testing. Allele origin: germline.
Comment: In summary, the available evidence is currently insufficient to determine the role of this variant in disease. Therefore, it has been classified as a Variant of Uncertain Significance. Algorithms developed to predict the effect of missense changes on protein structure and function (SIFT, PolyPhen-2, Align-GVGD) all suggest that this variant is likely to be tolerated. ClinVar contains an entry for this variant (Variation ID: 1382300). This variant has not been reported in the literature in individuals affected with ACADS-related conditions. The frequency data for this variant in the population databases is considered unreliable, as metrics indicate poor data quality at this position in the gnomAD database. This sequence change replaces glycine, which is neutral and non-polar, with arginine, which is basic and polar, at codon 76 of the ACADS protein (p.Gly76Arg).

NM_000017.4(ACADS):c.226G>A (p.Gly76Arg)

Gene: ACADS (acyl-CoA dehydrogenase short chain; plus strand). Cytogenetic location: 12q24.31.
Variant type: single nucleotide variant.
Coding change: c.226G>A on transcript NM_000017.4 (MANE Select); coding-DNA position 226, G replaced by A.
Protein change: p.Gly76Arg; replaces glycine 76 with arginine.
Molecular consequence: missense variant.
Genome position (GRCh38, 1-based): chr12:120,737,001, G>A. VCF-style: chr12-120737001-G-A. GRCh37 (hg19) VCF-style: chr12-121174804-G-A.
Other names: c.226G>A, p.Gly76Arg (NM_001302554.2); short protein forms G76R.
Identifiers: ClinVar variation 1382300 (VCV001382300.6), dbSNP rs774801839, ClinGen allele CA6830799.
Genomic context (GRCh38, chr12:120,737,001, plus strand): 5'-GCCCCCGGCAGCTGCCCATGGCGTGCCGTCCTTCCCTGTGCCCAGGTGAAGAAGATGGGC[G>A]GGCTTGGGCTTCTGGCCATGGACGTGCCCGAGGAGCTTGGCGGTGCTGGCCTCGATTACC-3'
Protein context (NP_000008.1, residues 66-86): FPAAQVKKMG[Gly76Arg]LGLLAMDVPE